The following is an entry in ClinVar:

NM_001754.5(RUNX1):c.1253T>G (p.Met418Arg)

Gene: RUNX1 (RUNX family transcription factor 1; minus strand). Cytogenetic location: 21q22.12.
Variant type: single nucleotide variant.
Coding change: c.1253T>G on transcript NM_001754.5 (MANE Select); coding-DNA position 1253, T replaced by G.
Protein change: p.Met418Arg; replaces methionine 418 with arginine.
Molecular consequence: missense variant.
Genome position (GRCh38, 1-based): chr21:34,792,325, A>C on the plus strand (T>G on the coding strand, the complement: RUNX1 is on the minus strand). VCF-style: chr21-34792325-A-C. GRCh37 (hg19) VCF-style: chr21-36164622-A-C.
Other names: NM_001754.5(RUNX1):c.1253T>G; p.Met418Arg; c.1172T>G, p.Met391Arg (NM_001001890.3); short protein forms M418R, M391R.
Identifiers: ClinVar variation 409805 (VCV000409805.15), dbSNP rs202068364, ClinGen allele CA10014190.

ClinVar aggregate classification (germline): Uncertain significance. Review status: reviewed by expert panel (3 of 4 stars). 9 submissions from 9 submitters: Uncertain significance (1). 8 of the submissions do not count toward it. Last evaluated 2024-08-12.

Conditions:
RUNX1-related disorder. Also called: RUNX1-related condition.
Hereditary thrombocytopenia and hematologic cancer predisposition syndrome. Identifiers: Orphanet 71290, MedGen CN281654, MONDO:0011071.
Aggressive systemic mastocytosis. Identifiers: Orphanet 98850, MedGen C1112486, MONDO:0020333.
Inborn genetic diseases. Identifiers: MedGen C0950123, MeSH D030342.
Hereditary thrombocytopenia and hematological cancer predisposition syndrome associated with RUNX1. Also called: Familial Platelet Disorder with Propensity to Acute Myelogenous Leukemia; Familial thrombocytopenia with propensity to acute myelogenous leukemia; PLATELET DISORDER, ASPIRIN-LIKE; RUNX1 Familial Platelet Disorder with Associated Myeloid Malignancies. Identifiers: Orphanet 71290, MedGen C1832388, MeSH C563324, MONDO:0100083, OMIM 601399.

Allele frequency attached by ClinVar (database versions not stated): gnomAD exomes 0.00006; TOPMed 0.00006; gnomAD 0.00010 and 0.00013; 1000 Genomes Project 0.00020; ExAC 0.00030; 1000 Genomes Project 30x 0.00562.

Submissions (9):

ClinGen Myeloid Malignancy Variant Curation Expert Panel
Classification: Uncertain significance for Hereditary thrombocytopenia and hematologic cancer predisposition syndrome. Last evaluated: 2024-08-12. Review status: reviewed by expert panel. Criteria: ClinGen MyeloMalig ACMG Specifications v2. Collection method: curation. Allele origin: germline. Inheritance: Autosomal dominant inheritance.
Comment: NM_001754.5(RUNX1):c.1253T>G (p.Met418Arg) is a variant which does not meet any ACMG/AMP criteria. In summary, the clinical significance of this variant is uncertain. ACMG/AMP criteria applied, as specified by the Myeloid Malignancy Variant Curation Expert Panel for RUNX1: None.

PreventionGenetics, part of Exact Sciences
Classification: Uncertain significance for RUNX1-related condition. Last evaluated: 2026-08-26. Review status: criteria provided, single submitter. Criteria: ACMG Guidelines, 2015. Collection method: clinical testing. Allele origin: germline. Not counted in ClinVar's aggregate classification.
Comment: The RUNX1 c.1253T>G variant is predicted to result in the amino acid substitution p.Met418Arg. To our knowledge, this variant has not been reported in the literature. This variant is reported in 0.024% of alleles in individuals of European (Finnish) descent in gnomAD v2 (as displayed in the table above). However, in the whole genome dataset of gnomAD v4.1 (available only on GRCh38), this variant is reported in 0.11% of alleles in that subpopulation, which may be too common to be an undocumented primary cause of disease. This variant is documented as a variant of uncertain significance in ClinVar (Variation ID: 409805). Although we suspect that this variant may be benign, at this time, the clinical significance of this variant is uncertain due to the absence of conclusive functional and genetic evidence.

Mayo Clinic Laboratories, Mayo Clinic
Classification: Uncertain significance. Last evaluated: 2025-01-07. Review status: criteria provided, single submitter. Criteria: ACMG Guidelines, 2015. Collection method: clinical testing. Allele origin: germline. Observed: 1 variant allele. Not counted in ClinVar's aggregate classification.
Comment: PM1_supporting

Ambry Genetics
Classification: Uncertain significance for Inborn genetic diseases. Last evaluated: 2024-12-21. Review status: criteria provided, single submitter. Criteria: Ambry Variant Classification Scheme 2023. Collection method: clinical testing. Allele origin: germline. Not counted in ClinVar's aggregate classification.
Comment: The p.M418R variant (also known as c.1253T>G), located in coding exon 8 of the RUNX1 gene, results from a T to G substitution at nucleotide position 1253. The methionine at codon 418 is replaced by arginine, an amino acid with similar properties. This amino acid position is well conserved in available vertebrate species. In addition, this alteration is predicted to be deleterious by in silico analysis. Based on the available evidence, the clinical significance of this variant remains unclear.

Blueprint Genetics
Classification: Likely benign. Last evaluated: 2024-09-17. Review status: criteria provided, single submitter. Criteria: ACMG Guidelines, 2015. Collection method: clinical testing. Allele origin: germline. Not counted in ClinVar's aggregate classification.

Labcorp Genetics (formerly Invitae), Labcorp
Classification: Uncertain significance for Hereditary thrombocytopenia and hematological cancer predisposition syndrome associated with RUNX1. Last evaluated: 2024-07-21. Review status: criteria provided, single submitter. Criteria: Invitae Variant Classification Sherloc (09022015). Collection method: clinical testing. Allele origin: germline. Not counted in ClinVar's aggregate classification.
Comment: This sequence change replaces methionine, which is neutral and non-polar, with arginine, which is basic and polar, at codon 418 of the RUNX1 protein (p.Met418Arg). This variant is present in population databases (rs202068364, gnomAD 0.02%). This variant has not been reported in the literature in individuals affected with RUNX1-related conditions. ClinVar contains an entry for this variant (Variation ID: 409805). Advanced modeling of protein sequence and biophysical properties (such as structural, functional, and spatial information, amino acid conservation, physicochemical variation, residue mobility, and thermodynamic stability) performed at Invitae indicates that this missense variant is not expected to disrupt RUNX1 protein function with a negative predictive value of 80%. RNA analysis performed to evaluate the impact of this missense change on mRNA splicing indicates it does not significantly alter splicing (Invitae). In summary, the available evidence is currently insufficient to determine the role of this variant in disease. Therefore, it has been classified as a Variant of Uncertain Significance.

GeneDx
Classification: Uncertain significance. Last evaluated: 2024-06-30. Review status: criteria provided, single submitter. Criteria: GeneDx Variant Classification Process June 2021. Collection method: clinical testing. Allele origin: germline. Affected: yes. Not counted in ClinVar's aggregate classification.
Comment: In silico analysis supports that this missense variant has a deleterious effect on protein structure/function; Observed in an individual suspected to have an inherited bleeding disorder (PMID: 28748566); This variant is associated with the following publications: (PMID: 28748566)

Department of Pathology and Laboratory Medicine, Sinai Health System
Classification: Uncertain significance for Aggressive systemic mastocytosis. Last evaluated: 2021-09-14. Review status: criteria provided, single submitter. Criteria: ACMG Guidelines, 2015. Collection method: research. Allele origin: germline. Not counted in ClinVar's aggregate classification.

Breakthrough Genomics
Classification: Uncertain significance. Review status: criteria provided, single submitter. Criteria: ACMG Guidelines, 2015. Collection method: not provided. Allele origin: germline. Inheritance: Autosomal dominant inheritance. Affected: yes. Not counted in ClinVar's aggregate classification.

Literature cited by the submitters: PubMed 28748566 (cited by Mayo Clinic Laboratories, Mayo Clinic).